The following is an entry in ClinVar:

NM_004287.5(GOSR2):c.510C>G (p.Asn170Lys)

Genes: GOSR2 (golgi SNAP receptor complex member 2; plus strand), LRRC37A2 (leucine rich repeat containing 37 member A2). Cytogenetic location: 17q21.32.
Variant type: single nucleotide variant.
Coding change: c.510C>G on transcript NM_004287.5 (MANE Select); coding-DNA position 510, C replaced by G.
Protein change: p.Asn170Lys; replaces asparagine 170 with lysine.
Molecular consequence: missense variant. On other transcripts: non-coding transcript variant (3).
Genome position (GRCh38, 1-based): chr17:46,938,631, C>G. VCF-style: chr17-46938631-C-G. GRCh37 (hg19) VCF-style: chr17-45015997-C-G.
Other names: c.510C>G, p.Asn170Lys (NM_001321133.2, NM_054022.4); c.315C>G, p.Asn105Lys (NM_001321134.2); c.369C>G, p.Asn123Lys (NM_001330252.2); c.507C>G, p.Asn169Lys (NM_001353114.2); c.366C>G, p.Asn122Lys (NM_001353115.2, NM_001353116.2); c.456C>G, p.Asn152Lys (NM_001363851.2); short protein forms N123K, N170K, N105K, N122K, N152K, N169K.
Identifiers: ClinVar variation 838761 (VCV000838761.7), dbSNP rs34572603, ClinGen allele CA8621346.

ClinVar aggregate classification (germline): Uncertain significance (1 of 4 stars; one submission).

Conditions:
Progressive myoclonic epilepsy. Also called: Familial progressive myoclonic epilepsy; Myoclonus epilepsy; Progressive myoclonus epilepsy; Myoclonic Epilepsies, Progressive. Identifiers: Orphanet 308, Orphanet 98261, MedGen C0751778, MONDO:0020074.

Allele frequency attached by ClinVar (database versions not stated): ExAC 0.00002; gnomAD 0.00003; TOPMed 0.00004; gnomAD exomes 0.00006.
gnomAD v4.1: 27 of 1,613,984 alleles (0.0017%); highest among the groups gnomAD compares: Admixed American, 0.023%; no homozygotes.

Submission:

Labcorp Genetics (formerly Invitae), Labcorp
Classification: Uncertain significance for Progressive myoclonic epilepsy. Last evaluated: 2022-04-28. Review status: criteria provided, single submitter. Criteria: Invitae Variant Classification Sherloc (09022015). Collection method: clinical testing. Allele origin: germline.
Comment: This sequence change replaces asparagine, which is neutral and polar, with lysine, which is basic and polar, at codon 170 of the GOSR2 protein (p.Asn170Lys). This variant is present in population databases (rs34572603, gnomAD 0.03%). This variant has not been reported in the literature in individuals affected with GOSR2-related conditions. ClinVar contains an entry for this variant (Variation ID: 838761). Algorithms developed to predict the effect of missense changes on protein structure and function (SIFT, PolyPhen-2, Align-GVGD) all suggest that this variant is likely to be tolerated. In summary, the available evidence is currently insufficient to determine the role of this variant in disease. Therefore, it has been classified as a Variant of Uncertain Significance.